The following is an entry in ClinVar:

ClinVar aggregate classification (germline): Benign. Review status: criteria provided, multiple submitters, no conflicts (2 of 4 stars). 3 submissions from 3 submitters: Benign (2). 1 of the submissions does not count toward it. Last evaluated 2026-01-28.

Conditions:
SLC13A3-related disorder. Also called: SLC13A3-related condition.

Allele frequency attached by ClinVar (database versions not stated): 1000 Genomes Project 30x 0.04419; ESP Exome Variant Server 0.04198; 1000 Genomes Project 0.04093; TOPMed 0.04106.
gnomAD v4.1: 10,952 of 1,610,994 alleles (0.68%); highest among the groups gnomAD compares: African/African-American, 13%; 648 homozygotes.

Submissions (3):

Labcorp Genetics (formerly Invitae), Labcorp
Classification: Benign. Last evaluated: 2026-01-28. Review status: criteria provided, single submitter. Criteria: Invitae Variant Classification Sherloc (09022015). Collection method: clinical testing. Allele origin: germline.

Breakthrough Genomics
Classification: Benign. Review status: criteria provided, single submitter. Criteria: ACMG Guidelines, 2015. Collection method: not provided. Allele origin: germline. Inheritance: Autosomal recessive inheritance. Affected: yes.

PreventionGenetics, part of Exact Sciences
Classification: Benign for SLC13A3-related condition. Last evaluated: 2020-02-19. Review status: no assertion criteria provided. Collection method: clinical testing. Allele origin: germline. Not counted in ClinVar's aggregate classification.
Comment: This variant is classified as benign based on ACMG/AMP sequence variant interpretation guidelines (Richards et al. 2015 PMID: 25741868, with internal and published modifications).

NM_022829.6(SLC13A3):c.1333-4G>T

Gene: SLC13A3 (solute carrier family 13 member 3; minus strand). Cytogenetic location: 20q13.12.
Variant type: single nucleotide variant.
Coding change: c.1333-4G>T on transcript NM_022829.6 (MANE Select); 4 bases into the intron before coding-DNA position 1333, G replaced by T.
Molecular consequence: intron variant.
Genome position (GRCh38, 1-based): chr20:46,566,394, C>A on the plus strand (G>T on the coding strand, the complement: SLC13A3 is on the minus strand). VCF-style: chr20-46566394-C-A. GRCh37 (hg19) VCF-style: chr20-45195033-C-A.
Other names: c.1087-4G>T (NM_001193340.2); c.1192-4G>T (NM_001011554.3); c.1039-4G>T (NM_001193342.2); c.1183-4G>T (NM_001193339.2); c.1333-4G>T (NM_022829.5).
Identifiers: ClinVar variation 1599599 (VCV001599599.10), dbSNP rs8116973, ClinGen allele CA9891296.